The following is an entry in ClinVar:

ClinVar aggregate classification (germline): Conflicting classifications of pathogenicity. Review status: criteria provided, conflicting classifications (1 of 4 stars). 5 submissions from 5 submitters: Uncertain significance (4); Likely benign (1). Last evaluated 2025-12-17.

Conditions:
Familial adenomatous polyposis 3. Also called: NTHL1-associated polyposis; NTHL1-related attenuated familial adenomatous polyposis; NTHL1-Related Adenomatous Polyposis and Colorectal Cancer; NTHL1 Tumor Syndrome. Identifiers: Orphanet 220460, Orphanet 454840, MedGen C4225157, MONDO:0014630, OMIM 616415.
Hereditary cancer-predisposing syndrome. Also called: Neoplastic Syndromes, Hereditary; Hereditary Cancer Syndrome; Tumor predisposition; Hereditary neoplastic syndrome. Identifiers: Orphanet 140162, MedGen C0027672, MeSH D009386, MONDO:0015356.

Allele frequency attached by ClinVar (database versions not stated): TOPMed 0.00001; gnomAD exomes 0.00010; ExAC 0.00013; 1000 Genomes Project 30x 0.00016; 1000 Genomes Project 0.00020.

Submissions (5):

Labcorp Genetics (formerly Invitae), Labcorp
Classification: Uncertain significance. Last evaluated: 2025-12-17. Review status: criteria provided, single submitter. Criteria: Invitae Variant Classification Sherloc (09022015). Collection method: clinical testing. Allele origin: germline.
Comment: This sequence change replaces alanine, which is neutral and non-polar, with threonine, which is neutral and polar, at codon 194 of the NTHL1 protein (p.Ala194Thr). This variant is present in population databases (rs554393986, gnomAD 0.06%). This variant has not been reported in the literature in individuals affected with NTHL1-related conditions. ClinVar contains an entry for this variant (Variation ID: 639791). An algorithm developed to predict the effect of missense changes on protein structure and function outputs the following: PolyPhen-2: "Benign". The threonine amino acid residue is found in multiple mammalian species, which suggests that this missense change does not adversely affect protein function. In summary, the available evidence is currently insufficient to determine the role of this variant in disease. Therefore, it has been classified as a Variant of Uncertain Significance.

Quest Diagnostics Nichols Institute San Juan Capistrano
Classification: Uncertain significance. Last evaluated: 2025-03-28. Review status: criteria provided, single submitter. Criteria: Quest Diagnostics criteria. Collection method: clinical testing. Allele origin: unknown.
Comment: The NTHL1 c.580G>A (p.Ala194Thr) variant has not been reported in individuals with NTHL1-related conditions in the published literature. The frequency of this variant in the general population (Genome Aggregation Database) is uninformative in the assessment of its pathogenicity. Analysis of this variant using bioinformatics tools for the prediction of the effect of amino acid changes on protein structure and function yielded predictions that this variant is benign. Based on the available information, we are unable to determine the clinical significance of this variant.

Neuberg Centre For Genomic Medicine, NCGM
Classification: Uncertain significance for Familial adenomatous polyposis 3. Last evaluated: 2023-05-20. Review status: criteria provided, single submitter. Criteria: ACMG Guidelines, 2015. Collection method: clinical testing. Allele origin: germline. Inheritance: Autosomal recessive inheritance. Affected: yes.
Comment: The observed missense variant c.556G>A(p.Ala186Thr) in NTHL1 gene has not been reported previously as a pathogenic variant nor as a benign variant, to our knowledge. The c.556G>A variant has 0.01% allele frequency in gnomAD Exomes. This variant has been reported to the ClinVar database as Likely Benign/ Uncertain Significance. However, study on multiple affected individuals and functional studies on the pathogenicity of the variant is unavailable. The amino acid Alanine at position 186 is changed to a Threonine changing protein sequence and it might alter its composition and physico-chemical properties. Computational evidence (Polyphen, SIFT and Mutation Taster) predicts conflicting evidence on protein structure and function for this variant. The reference amino acid is predicted as conserved by GERP++ and PhyloP across 100 vertebrates. For these reasons, this variant has been classified as Uncertain Significance. In the absence of another reportable variant, the molecular diagnosis is not confirmed.

GeneDx
Classification: Uncertain significance. Last evaluated: 2022-01-26. Review status: criteria provided, single submitter. Criteria: GeneDx Variant Classification Process June 2021. Collection method: clinical testing. Allele origin: germline. Affected: yes.
Comment: In silico analysis supports that this missense variant does not alter protein structure/function; Has not been previously published as pathogenic or benign to our knowledge

Ambry Genetics
Classification: Likely benign for Hereditary cancer-predisposing syndrome. Last evaluated: 2020-09-18. Review status: criteria provided, single submitter. Criteria: Ambry Variant Classification Scheme 2023. Collection method: clinical testing. Allele origin: germline.

NM_002528.7(NTHL1):c.556G>A (p.Ala186Thr)

Gene: NTHL1 (nth like DNA glycosylase 1; minus strand). Cytogenetic location: 16p13.3.
Variant type: single nucleotide variant.
Coding change: c.556G>A on transcript NM_002528.7 (MANE Select); coding-DNA position 556, G replaced by A.
Protein change: p.Ala186Thr; replaces alanine 186 with threonine.
Molecular consequence: missense variant.
Genome position (GRCh38, 1-based): chr16:2,043,696, C>T on the plus strand (G>A on the coding strand, the complement: NTHL1 is on the minus strand). VCF-style: chr16-2043696-C-T. GRCh37 (hg19) VCF-style: chr16-2093697-C-T.
Other names: c.385G>A, p.Ala129Thr (NM_001318193.2); c.226G>A, p.Ala76Thr (NM_001318194.2); c.556G>A, p.Ala186Thr (LRG_1366t1); short protein forms A129T, A186T, A76T.
Identifiers: ClinVar variation 639791 (VCV000639791.14), dbSNP rs554393986, ClinGen allele CA7828202.